The following is an entry in ClinVar:

ClinVar aggregate classification (germline): Pathogenic (1 of 4 stars; one submission).

Submission:

Labcorp Genetics (formerly Invitae), Labcorp
Classification: Pathogenic. Last evaluated: 2025-10-21. Review status: criteria provided, single submitter. Criteria: Invitae Variant Classification Sherloc (09022015). Collection method: clinical testing. Allele origin: germline.
Comment: This sequence change creates a premature translational stop signal (p.Gln539*) in the DLL1 gene. It is expected to result in an absent or disrupted protein product. Loss-of-function variants in DLL1 are known to be pathogenic (PMID: 31353024). This variant is not present in population databases (gnomAD no frequency). This variant has not been reported in the literature in individuals affected with DLL1-related conditions. ClinVar contains an entry for this variant (Variation ID: 2748309). For these reasons, this variant has been classified as Pathogenic.

Literature cited by the submitters: PubMed 31353024.

NM_005618.4(DLL1):c.1615C>T (p.Gln539Ter)

Gene: DLL1 (delta like canonical Notch ligand 1; minus strand). Cytogenetic location: 6q27.
Variant type: single nucleotide variant.
Coding change: c.1615C>T on transcript NM_005618.4 (MANE Select); coding-DNA position 1615, C replaced by T.
Protein change: p.Gln539Ter; replaces glutamine 539 with a stop codon.
Molecular consequence: nonsense.
Genome position (GRCh38, 1-based): chr6:170,283,664, G>A on the plus strand (C>T on the coding strand, the complement: DLL1 is on the minus strand). VCF-style: chr6-170283664-G-A. GRCh37 (hg19) VCF-style: chr6-170592752-G-A.
Other names: short protein forms Q539*.
Identifiers: ClinVar variation 2748309 (VCV002748309.3), dbSNP rs2483346798, ClinGen allele CA366506894.